The following is an entry in ClinVar:

ClinVar aggregate classification (germline): Benign/Likely benign. Review status: criteria provided, multiple submitters, no conflicts (2 of 4 stars). 3 submissions from 3 submitters: Benign (1); Likely benign (2). Last evaluated 2025-10-14.

Conditions:
P3H2-related disorder. Also called: P3H2-related condition.

Allele frequency attached by ClinVar (database versions not stated): ExAC 0.00026; 1000 Genomes Project 0.00040; 1000 Genomes Project 30x 0.00047; ESP Exome Variant Server 0.00092; gnomAD 0.00094 and 0.00106; TOPMed 0.00105.
gnomAD v4.1: 284 of 1,614,120 alleles (0.018%); highest among the groups gnomAD compares: African/African-American, 0.31%; no homozygotes.

Submissions (3):

Labcorp Genetics (formerly Invitae), Labcorp
Classification: Likely benign. Last evaluated: 2025-10-14. Review status: criteria provided, single submitter. Criteria: Invitae Variant Classification Sherloc (09022015). Collection method: clinical testing. Allele origin: germline.

PreventionGenetics, part of Exact Sciences
Classification: Likely benign for P3H2-related condition. Last evaluated: 2025-05-13. Review status: criteria provided, single submitter. Criteria: ACMG Guidelines, 2015. Collection method: clinical testing. Allele origin: germline.
Comment: This variant is classified as likely benign based on ACMG/AMP sequence variant interpretation guidelines (Richards et al. 2015 PMID: 25741868, with internal and published modifications).

Blueprint Genetics
Classification: Benign. Last evaluated: 2024-05-10. Review status: criteria provided, single submitter. Criteria: ACMG Guidelines, 2015. Collection method: clinical testing. Allele origin: germline.

NM_018192.4(P3H2):c.1408G>A (p.Val470Ile)

Gene: P3H2 (prolyl 3-hydroxylase 2; minus strand). Cytogenetic location: 3q28.
Variant type: single nucleotide variant.
Coding change: c.1408G>A on transcript NM_018192.4 (MANE Select); coding-DNA position 1408, G replaced by A.
Protein change: p.Val470Ile; replaces valine 470 with isoleucine.
Molecular consequence: missense variant.
Genome position (GRCh38, 1-based): chr3:189,974,602, C>T on the plus strand (G>A on the coding strand, the complement: P3H2 is on the minus strand). VCF-style: chr3-189974602-C-T. GRCh37 (hg19) VCF-style: chr3-189692391-C-T.
Other names: c.865G>A, p.Val289Ile (NM_001134418.2); c.1408G>A (NM_018192.3); short protein forms V289I, V470I.
Identifiers: ClinVar variation 1129615 (VCV001129615.9), dbSNP rs143768603, ClinGen allele CA2752941.